The following is an entry in ClinVar:

ClinVar aggregate classification (germline): Conflicting classifications of pathogenicity. Review status: criteria provided, conflicting classifications (1 of 4 stars). 3 submissions from 3 submitters: Uncertain significance (2); Likely benign (1). Last evaluated 2026-04-16.

Conditions:
Neurofibromatosis, type 1 (NF1). Also called: Neurofibromatosis, type I; VON RECKLINGHAUSEN DISEASE; NEUROFIBROMATOSIS, TYPE I, SOMATIC; Peripheral type neurofibromatosis. Identifiers: Orphanet 636, MedGen C0027831, MONDO:0018975, OMIM 162200. Disease mechanism: loss of function.
Hereditary cancer-predisposing syndrome. Also called: Tumor predisposition; Hereditary neoplastic syndrome; Neoplastic Syndromes, Hereditary; Hereditary Cancer Syndrome. Identifiers: Orphanet 140162, MedGen C0027672, MeSH D009386, MONDO:0015356.
Cardiovascular phenotype. Identifiers: MedGen CN230736.

Allele frequency attached by ClinVar (database versions not stated): gnomAD exomes below 0.00001; ExAC 0.00001; gnomAD 0.00001.
gnomAD v4.1: 1 of 1,613,798 alleles (0.000062%); highest among the groups gnomAD compares: Non-Finnish European, 0.000085%; no homozygotes.

Submissions (3):

Ambry Genetics
Classification: Likely benign for Cardiovascular phenotype; Hereditary cancer-predisposing syndrome. Last evaluated: 2026-04-16. Review status: criteria provided, single submitter. Criteria: Ambry Variant Classification Scheme 2023. Collection method: clinical testing. Allele origin: germline.

Labcorp Genetics (formerly Invitae), Labcorp
Classification: Uncertain significance for Neurofibromatosis, type 1. Last evaluated: 2023-03-26. Review status: criteria provided, single submitter. Criteria: Invitae Variant Classification Sherloc (09022015). Collection method: clinical testing. Allele origin: germline.
Comment: In summary, the available evidence is currently insufficient to determine the role of this variant in disease. Therefore, it has been classified as a Variant of Uncertain Significance. Advanced modeling of protein sequence and biophysical properties (such as structural, functional, and spatial information, amino acid conservation, physicochemical variation, residue mobility, and thermodynamic stability) performed at Invitae indicates that this missense variant is not expected to disrupt NF1 protein function. ClinVar contains an entry for this variant (Variation ID: 480190). This variant has not been reported in the literature in individuals affected with NF1-related conditions. This variant is present in population databases (rs779373258, gnomAD 0.0009%). This sequence change replaces methionine, which is neutral and non-polar, with valine, which is neutral and non-polar, at codon 2538 of the NF1 protein (p.Met2538Val).

Genome-Nilou Lab
Classification: Uncertain significance for Neurofibromatosis, type 1. Last evaluated: 2022-03-15. Review status: criteria provided, single submitter. Criteria: ACMG Guidelines, 2015. Collection method: clinical testing. Allele origin: germline. Affected: no.

NM_001042492.3(NF1):c.7675A>G (p.Met2559Val)

Gene: NF1 (neurofibromin 1; plus strand). Cytogenetic location: 17q11.2.
Variant type: single nucleotide variant.
Coding change: c.7675A>G on transcript NM_001042492.3 (MANE Select); coding-DNA position 7675, A replaced by G.
Protein change: p.Met2559Val; replaces methionine 2559 with valine.
Molecular consequence: missense variant.
Genome position (GRCh38, 1-based): chr17:31,356,519, A>G. VCF-style: chr17-31356519-A-G. GRCh37 (hg19) VCF-style: chr17-29683537-A-G.
Other names: c.7612A>G, p.Met2538Val (NM_000267.4); short protein forms M2559V, M2538V.
Identifiers: ClinVar variation 480190 (VCV000480190.12), dbSNP rs779373258, ClinGen allele CA8487633.